The following is an entry in ClinVar:

NM_003619.4(PRSS12):c.164G>C (p.Arg55Thr)

Gene: PRSS12 (serine protease 12; minus strand). Cytogenetic location: 4q26.
Variant type: single nucleotide variant.
Coding change: c.164G>C on transcript NM_003619.4 (MANE Select); coding-DNA position 164, G replaced by C.
Protein change: p.Arg55Thr; replaces arginine 55 with threonine.
Molecular consequence: missense variant.
Genome position (GRCh38, 1-based): chr4:118,352,557, C>G on the plus strand (G>C on the coding strand, the complement: PRSS12 is on the minus strand). VCF-style: chr4-118352557-C-G. GRCh37 (hg19) VCF-style: chr4-119273712-C-G.
Other names: short protein forms R55T.
Identifiers: ClinVar variation 130042 (VCV000130042.17), dbSNP rs13119545, ClinGen allele CA154789.

ClinVar aggregate classification (germline): Benign. Review status: criteria provided, multiple submitters, no conflicts (2 of 4 stars). 6 submissions from 6 submitters: Benign (4). 2 of the submissions do not count toward it. Last evaluated 2021-10-25.

Conditions:
Intellectual developmental disorder, autosomal recessive 1. Also called: MENTAL RETARDATION, AUTOSOMAL RECESSIVE 1; Intellectual disability, autosomal recessive 1. Identifiers: Orphanet 88616, MedGen C1855304, MONDO:0009580, OMIM 249500.

Allele frequency attached by ClinVar (database versions not stated): 1000 Genomes Project 0.49221; 1000 Genomes Project 30x 0.49532; gnomAD 0.53595 and 0.54007; TOPMed 0.54703; ESP Exome Variant Server 0.55012; gnomAD exomes 0.61613; ExAC 0.65435.
gnomAD v4.1: 952,597 of 1,532,850 alleles (62%); highest among the groups gnomAD compares: Admixed American, 74%; 303,462 homozygotes.

Submissions (6):

Genome-Nilou Lab
Classification: Benign for Intellectual developmental disorder, autosomal recessive 1. Last evaluated: 2021-10-25. Review status: criteria provided, single submitter. Criteria: ACMG Guidelines, 2015. Collection method: clinical testing. Allele origin: germline. Affected: no.

Illumina Laboratory Services, Illumina
Classification: Benign for Intellectual developmental disorder, autosomal recessive 1. Last evaluated: 2018-01-13. Review status: criteria provided, single submitter. Criteria: ICSL Variant Classification Criteria 13 December 2019. Collection method: clinical testing. Allele origin: germline.
Comment: This variant was observed in the ICSL laboratory as part of a predisposition screen in an ostensibly healthy population. It had not been previously curated by ICSL or reported in the Human Gene Mutation Database (HGMD: prior to June 1st, 2018), and was therefore a candidate for classification through an automated scoring system. Utilizing variant allele frequency, disease prevalence and penetrance estimates, and inheritance mode, an automated score was calculated to assess if this variant is too frequent to cause the disease. Based on the score and internal cut-off values, a variant classified as benign is not then subjected to further curation. The score for this variant resulted in a classification of benign for this disease.

Genetic Services Laboratory, University of Chicago
Classification: Benign for AllHighlyPenetrant. Last evaluated: 2013-10-24. Review status: criteria provided, single submitter. Criteria: ACMG Guidelines, 2007. Collection method: clinical testing. Allele origin: germline. Inheritance: Autosomal recessive inheritance.

Breakthrough Genomics
Classification: Benign. Review status: criteria provided, single submitter. Criteria: ACMG Guidelines, 2015. Collection method: not provided. Allele origin: germline. Inheritance: Autosomal recessive inheritance. Affected: yes.

Diagnostic Laboratory, Department of Genetics, University Medical Center Groningen
Classification: Benign. Review status: no assertion criteria provided. Collection method: clinical testing. Allele origin: germline. Affected: yes. Study: VKGL Data-share Consensus. Not counted in ClinVar's aggregate classification.

Joint Genome Diagnostic Labs from Nijmegen and Maastricht, Radboudumc and MUMC+
Classification: Benign. Review status: no assertion criteria provided. Collection method: clinical testing. Allele origin: germline. Affected: yes. Study: VKGL Data-share Consensus. Not counted in ClinVar's aggregate classification.